The following is an entry in ClinVar:

ClinVar aggregate classification (germline): Conflicting classifications of pathogenicity. Review status: criteria provided, conflicting classifications (1 of 4 stars). 7 submissions from 7 submitters: Uncertain significance (2); Benign (1); Likely benign (4). Last evaluated 2025-12-24.

Conditions:
Hereditary cancer-predisposing syndrome. Also called: Neoplastic Syndromes, Hereditary; Hereditary neoplastic syndrome; Tumor predisposition; Hereditary Cancer Syndrome. Identifiers: Orphanet 140162, MedGen C0027672, MeSH D009386, MONDO:0015356.
Familial cancer of breast. Also called: hereditary breast carcinoma; Hereditary breast cancer; BREAST CANCER, FAMILIAL. Identifiers: Orphanet 227535, MedGen C0346153, MONDO:0016419, OMIM 114480. Disease mechanism: loss of function.
Ataxia-telangiectasia syndrome (AT). Also called: Ataxia telangiectasia (A-T); Cerebello-oculocutaneous telangiectasia; Immunodeficiency with ataxia telangiectasia; LOUIS-BAR SYNDROME; AT, COMPLEMENTATION GROUP C; ATAXIA-TELANGIECTASIA, FRESNO VARIANT. Identifiers: Orphanet 100, MedGen C0004135, MONDO:0008840, OMIM 208900.

Allele frequency attached by ClinVar (database versions not stated): ExAC 0.00001; TOPMed 0.00002; gnomAD 0.00001; gnomAD exomes 0.00002.
gnomAD v4.1: 33 of 1,614,006 alleles (0.002%); highest among the groups gnomAD compares: Non-Finnish European, 0.0028%; no homozygotes.

Submissions (7):

Labcorp Genetics (formerly Invitae), Labcorp
Classification: Likely benign for Ataxia-telangiectasia syndrome. Last evaluated: 2025-12-24. Review status: criteria provided, single submitter. Criteria: Invitae Variant Classification Sherloc (09022015). Collection method: clinical testing. Allele origin: germline.

Quest Diagnostics Nichols Institute San Juan Capistrano
Classification: Uncertain significance. Last evaluated: 2025-06-20. Review status: criteria provided, single submitter. Criteria: Quest Diagnostics criteria. Collection method: clinical testing. Allele origin: unknown.

Myriad Genetics, Inc.
Classification: Benign for Familial cancer of breast. Last evaluated: 2024-06-12. Review status: criteria provided, single submitter. Criteria: Myriad Autosomal Dominant, Autosomal Recessive and X-Linked Classification Criteria (2023). Collection method: clinical testing. Allele origin: unknown.
Comment: This variant is considered benign. This variant is intronic and is not expected to impact mRNA splicing. This variant is strongly associated with less severe personal and family histories of cancer, typical for individuals without pathogenic variants in this gene [PMID: 25085752].

Blueprint Genetics
Classification: Likely benign. Last evaluated: 2022-06-27. Review status: criteria provided, single submitter. Criteria: ACMG Guidelines, 2015. Collection method: clinical testing. Allele origin: germline.

Department of Pathology and Laboratory Medicine, Sinai Health System
Classification: Uncertain significance for Familial cancer of breast. Last evaluated: 2020-03-25. Review status: criteria provided, single submitter. Criteria: ACMG Guidelines, 2015. Collection method: clinical testing. Allele origin: germline. Affected: yes.

GeneDx
Classification: Likely benign. Last evaluated: 2017-05-05. Review status: criteria provided, single submitter. Criteria: GeneDx Variant Classification (06012015). Collection method: clinical testing. Allele origin: germline. Affected: yes.
Comment: This variant is considered likely benign or benign based on one or more of the following criteria: it is a conservative change, it occurs at a poorly conserved position in the protein, it is predicted to be benign by multiple in silico algorithms, and/or has population frequency not consistent with disease.

Color Diagnostics, LLC DBA Color Health
Classification: Likely benign for Hereditary cancer-predisposing syndrome. Last evaluated: 2016-10-24. Review status: criteria provided, single submitter. Criteria: ACMG Guidelines, 2015. Collection method: clinical testing. Allele origin: germline.

Literature cited by the submitters: PubMed 25085752 (cited by Myriad Genetics, Inc.).

NM_000051.4(ATM):c.6975+7T>A

Genes: ATM (ATM serine/threonine kinase; plus strand), C11orf65 (chromosome 11 open reading frame 65; minus strand). Cytogenetic location: 11q22.3.
Variant type: single nucleotide variant.
Coding change: c.6975+7T>A on transcript NM_000051.4 (MANE Select); 7 bases into the intron after coding-DNA position 6975, T replaced by A.
Molecular consequence: intron variant.
Genome position (GRCh38, 1-based): chr11:108,326,232, T>A. VCF-style: chr11-108326232-T-A. GRCh37 (hg19) VCF-style: chr11-108196959-T-A.
Other names: c.6975+7T>A (NM_001351834.2); c.641-17161A>T (NM_001330368.2); c.*38+8988A>T (NM_001351110.2).
Identifiers: ClinVar variation 215592 (VCV000215592.17), dbSNP rs754834282, ClinGen allele CA339515.